The following is an entry in ClinVar:

ClinVar aggregate classification (germline): Benign/Likely benign. Review status: criteria provided, multiple submitters, no conflicts (2 of 4 stars). 5 submissions from 5 submitters: Benign (3); Likely benign (1). 1 of the submissions does not count toward it. Last evaluated 2026-01-18.

Conditions:
Inflammatory bowel disease 28. Also called: Inflammatory bowel disease 28, early onset, autosomal recessive. Identifiers: Orphanet 238569, MedGen C2751053, MONDO:0013153, OMIM 613148.
IL10RA-related disorder. Also called: IL10RA-related condition.

Allele frequency attached by ClinVar (database versions not stated): gnomAD exomes 0.00057 and 0.00143; ExAC 0.00172; 1000 Genomes Project 30x 0.00562; gnomAD 0.00597 and 0.00653; 1000 Genomes Project 0.00599; ESP Exome Variant Server 0.00631; TOPMed 0.00655.

Submissions (5):

Labcorp Genetics (formerly Invitae), Labcorp
Classification: Benign for Inflammatory bowel disease 28. Last evaluated: 2026-01-18. Review status: criteria provided, single submitter. Criteria: Invitae Variant Classification Sherloc (09022015). Collection method: clinical testing. Allele origin: germline.

Blueprint Genetics
Classification: Likely benign. Last evaluated: 2024-11-14. Review status: criteria provided, single submitter. Criteria: ACMG Guidelines, 2015. Collection method: clinical testing. Allele origin: germline.

Illumina Laboratory Services, Illumina
Classification: Benign for Inflammatory bowel disease 28. Last evaluated: 2018-01-13. Review status: criteria provided, single submitter. Criteria: ICSL Variant Classification Criteria 13 December 2019. Collection method: clinical testing. Allele origin: germline.
Comment: This variant was observed in the ICSL laboratory as part of a predisposition screen in an ostensibly healthy population. It had not been previously curated by ICSL or reported in the Human Gene Mutation Database (HGMD: prior to June 1st, 2018), and was therefore a candidate for classification through an automated scoring system. Utilizing variant allele frequency, disease prevalence and penetrance estimates, and inheritance mode, an automated score was calculated to assess if this variant is too frequent to cause the disease. Based on the score and internal cut-off values, a variant classified as benign is not then subjected to further curation. The score for this variant resulted in a classification of benign for this disease.

Breakthrough Genomics
Classification: Benign. Review status: criteria provided, single submitter. Criteria: ACMG Guidelines, 2015. Collection method: not provided. Allele origin: germline. Inheritance: Autosomal recessive inheritance. Affected: yes.

PreventionGenetics, part of Exact Sciences
Classification: Benign for IL10RA-related condition. Last evaluated: 2019-05-30. Review status: no assertion criteria provided. Collection method: clinical testing. Allele origin: germline. Not counted in ClinVar's aggregate classification.
Comment: This variant is classified as benign based on ACMG/AMP sequence variant interpretation guidelines (Richards et al. 2015 PMID: 25741868, with internal and published modifications).

NM_001558.4(IL10RA):c.312C>T (p.Asp104=)

Gene: IL10RA (interleukin 10 receptor subunit alpha; plus strand). Cytogenetic location: 11q23.3.
Variant type: single nucleotide variant.
Coding change: c.312C>T on transcript NM_001558.4 (MANE Select); coding-DNA position 312, C replaced by T.
Protein change: p.Asp104=; no amino-acid change (aspartic acid 104 retained).
Molecular consequence: synonymous variant. On other transcripts: non-coding transcript variant (1).
Genome position (GRCh38, 1-based): chr11:117,989,565, C>T. VCF-style: chr11-117989565-C-T. GRCh37 (hg19) VCF-style: chr11-117860280-C-T.
Identifiers: ClinVar variation 470621 (VCV000470621.19), dbSNP rs35511069, ClinGen allele CA6298892.